The following is an entry in ClinVar:

NM_000465.4(BARD1):c.1381G>A (p.Gly461Arg)

Gene: BARD1 (BRCA1 associated RING domain 1; minus strand). Cytogenetic location: 2q35.
Variant type: single nucleotide variant.
Coding change: c.1381G>A on transcript NM_000465.4 (MANE Select); coding-DNA position 1381, G replaced by A.
Protein change: p.Gly461Arg; replaces glycine 461 with arginine.
Molecular consequence: missense variant. On other transcripts: non-coding transcript variant (3), intron variant (3).
Genome position (GRCh38, 1-based): chr2:214,769,246, C>T on the plus strand (G>A on the coding strand, the complement: BARD1 is on the minus strand). VCF-style: chr2-214769246-C-T. GRCh37 (hg19) VCF-style: chr2-215633970-C-T.
Other names: c.1324G>A, p.Gly442Arg (NM_001282543.2); c.159-16691G>A (NM_001282548.2); c.216-16691G>A (NM_001282545.2); c.364+23051G>A (NM_001282549.2); short protein forms G461R, G442R.
Identifiers: ClinVar variation 2058744 (VCV002058744.4), dbSNP rs2106081129, ClinGen allele CA350450135.
Genomic context (GRCh38, chr2:214,769,246, plus strand): 5'-GAACTGTAAAACACAGAAAGAATGAGAATAAAAACCAGACAACTACCAATGGTGTCCATC[C>T]AGCATGGTCTTTAACATTTGGATCACTTCCATTTTGTAAAAGGTATTCAACAGAAGGTAT-3'
Protein context (NP_000456.2, residues 451-471): GSDPNVKDHA[Gly461Arg]WTPLHEACNH

ClinVar aggregate classification (germline): Uncertain significance (1 of 4 stars; one submission).

Conditions:
Familial cancer of breast. Also called: hereditary breast carcinoma; BREAST CANCER, FAMILIAL; Hereditary breast cancer. Identifiers: Orphanet 227535, MedGen C0346153, MONDO:0016419, OMIM 114480. Disease mechanism: loss of function.

Submission:

Labcorp Genetics (formerly Invitae), Labcorp
Classification: Uncertain significance for Familial cancer of breast. Last evaluated: 2022-08-09. Review status: criteria provided, single submitter. Criteria: Invitae Variant Classification Sherloc (09022015). Collection method: clinical testing. Allele origin: germline.
Comment: Algorithms developed to predict the effect of missense changes on protein structure and function (SIFT, PolyPhen-2, Align-GVGD) all suggest that this variant is likely to be disruptive. This variant has not been reported in the literature in individuals affected with BARD1-related conditions. This variant is not present in population databases (gnomAD no frequency). This sequence change replaces glycine, which is neutral and non-polar, with arginine, which is basic and polar, at codon 461 of the BARD1 protein (p.Gly461Arg). Algorithms developed to predict the effect of sequence changes on RNA splicing suggest that this variant may disrupt the consensus splice site. In summary, the available evidence is currently insufficient to determine the role of this variant in disease. Therefore, it has been classified as a Variant of Uncertain Significance.